The following is an entry in ClinVar:

NM_014846.4(WASHC5):c.769A>G (p.Met257Val)

Gene: WASHC5 (WASH complex subunit 5; minus strand). Cytogenetic location: 8q24.13.
Variant type: single nucleotide variant.
Coding change: c.769A>G on transcript NM_014846.4 (MANE Select); coding-DNA position 769, A replaced by G.
Protein change: p.Met257Val; replaces methionine 257 with valine.
Molecular consequence: missense variant.
Genome position (GRCh38, 1-based): chr8:125,076,443, T>C on the plus strand (A>G on the coding strand, the complement: WASHC5 is on the minus strand). VCF-style: chr8-125076443-T-C. GRCh37 (hg19) VCF-style: chr8-126088685-T-C.
Other names: c.325A>G, p.Met109Val (NM_001330609.2); short protein forms M109V, M257V.
Identifiers: ClinVar variation 2673160 (VCV002673160.23), dbSNP rs370317854, ClinGen allele CA4874012.
Genomic context (GRCh38, chr8:125,076,443, plus strand): 5'-TCATTTTTGCTTGATGGGTGTGAAGGATGGAAGGCTCAAAGTAGAGAATCACGTACAGCA[T>C]GGCAGCTTGGTTTGCCAGGGCTGTGCTGCGATGCTCCGGCAAAGGATACGCTGAGACCTG-3'
Protein context (NP_055661.3, residues 247-267): RSTALANQAA[Met257Val]LYVILYFEPS

ClinVar aggregate classification (germline): Uncertain significance (1 of 4 stars; one submission).

Allele frequency attached by ClinVar (database versions not stated): gnomAD exomes below 0.00001; ExAC 0.00002; gnomAD 0.00003; TOPMed 0.00006; ESP Exome Variant Server 0.00008.

Submission:

CeGaT Center for Human Genetics Tuebingen
Classification: Uncertain significance. Last evaluated: 2023-11-01. Review status: criteria provided, single submitter. Criteria: CeGaT Center For Human Genetics Tuebingen Variant Classification Criteria Version 2. Collection method: clinical testing. Allele origin: germline. Affected: yes. Observed: 1 variant allele.
Comment: WASHC5: PM2, PP3